The following is an entry in ClinVar:

NM_006231.4(POLE):c.3617G>T (p.Arg1206Met)

Gene: POLE (DNA polymerase epsilon, catalytic subunit; minus strand). Cytogenetic location: 12q24.33.
Variant type: single nucleotide variant.
Coding change: c.3617G>T on transcript NM_006231.4 (MANE Select); coding-DNA position 3617, G replaced by T.
Protein change: p.Arg1206Met; replaces arginine 1206 with methionine.
Molecular consequence: missense variant.
Genome position (GRCh38, 1-based): chr12:132,649,855, C>A on the plus strand (G>T on the coding strand, the complement: POLE is on the minus strand). VCF-style: chr12-132649855-C-A. GRCh37 (hg19) VCF-style: chr12-133226441-C-A.
Other names: short protein forms R1206M.
Identifiers: ClinVar variation 405765 (VCV000405765.13), dbSNP rs1060500839, ClinGen allele CA16613666.
Genomic context (GRCh38, chr12:132,649,855, plus strand): 5'-GGGGCTGCTGGGTGAGGCAGCTTTACGAGGCCGAAGTCCTCCATGTCAGGAGCACTTGGC[C>A]TCGGACTGTCTTCTGAGGCCTCGGCCATCGTGACCTGGAAAGACCCAGTGAAGCCTTAAA-3'
Protein context (NP_006222.2, residues 1196-1216): TMAEASEDSP[Arg1206Met]PSAPDMEDFG

ClinVar aggregate classification (germline): Conflicting classifications of pathogenicity. Review status: criteria provided, conflicting classifications (1 of 4 stars). 3 submissions from 3 submitters: Uncertain significance (2); Likely benign (1). Last evaluated 2025-12-18.

Conditions:
Hereditary cancer-predisposing syndrome. Also called: Hereditary Cancer Syndrome; Hereditary neoplastic syndrome; Neoplastic Syndromes, Hereditary; Tumor predisposition. Identifiers: Orphanet 140162, MedGen C0027672, MeSH D009386, MONDO:0015356.

Allele frequency attached by ClinVar (database versions not stated): gnomAD exomes 0.00001.
gnomAD v4.1: 3 of 1,614,106 alleles (0.00019%); highest among the groups gnomAD compares: Non-Finnish European, 0.00025%; no homozygotes.

Submissions (3):

Labcorp Genetics (formerly Invitae), Labcorp
Classification: Uncertain significance. Last evaluated: 2025-12-18. Review status: criteria provided, single submitter. Criteria: Invitae Variant Classification Sherloc (09022015). Collection method: clinical testing. Allele origin: germline.
Comment: This sequence change replaces arginine, which is basic and polar, with methionine, which is neutral and non-polar, at codon 1206 of the POLE protein (p.Arg1206Met). This variant is present in population databases (no rsID available, gnomAD 0.002%). This variant has not been reported in the literature in individuals affected with POLE-related conditions. ClinVar contains an entry for this variant (Variation ID: 405765). Invitae Evidence Modeling of protein sequence and biophysical properties (such as structural, functional, and spatial information, amino acid conservation, physicochemical variation, residue mobility, and thermodynamic stability) indicates that this missense variant is not expected to disrupt POLE protein function with a negative predictive value of 80%. In summary, the available evidence is currently insufficient to determine the role of this variant in disease. Therefore, it has been classified as a Variant of Uncertain Significance.

Ambry Genetics
Classification: Likely benign for Hereditary cancer-predisposing syndrome. Last evaluated: 2025-03-30. Review status: criteria provided, single submitter. Criteria: Ambry Variant Classification Scheme 2023. Collection method: clinical testing. Allele origin: germline.

PreventionGenetics, part of Exact Sciences
Classification: Uncertain significance. Last evaluated: 2017-12-21. Review status: criteria provided, single submitter. Criteria: ACMG Guidelines, 2015. Collection method: clinical testing. Allele origin: germline.